The following is an entry in ClinVar:

NM_001378120.1(MBD5):c.2126G>A (p.Ser709Asn)

Gene: MBD5 (methyl-CpG binding domain protein 5; plus strand). Cytogenetic location: 2q23.1.
Variant type: single nucleotide variant.
Coding change: c.2126G>A on transcript NM_001378120.1 (MANE Select); coding-DNA position 2126, G replaced by A.
Protein change: p.Ser709Asn; replaces serine 709 with asparagine.
Molecular consequence: missense variant.
Genome position (GRCh38, 1-based): chr2:148,470,069, G>A. VCF-style: chr2-148470069-G-A. GRCh37 (hg19) VCF-style: chr2-149227638-G-A.
Other names: c.2126G>A, p.Ser709Asn (NM_018328.5); short protein forms S709N.
Identifiers: ClinVar variation 2759862 (VCV002759862.1), dbSNP rs1303544756, ClinGen allele CA348721172.

ClinVar aggregate classification (germline): Uncertain significance (1 of 4 stars; one submission).

Conditions:
Intellectual developmental disorder, autosomal dominant 1. Also called: Intellectual disability, autosomal dominant 1; MBD5 Haploinsufficiency. Identifiers: Orphanet 228402, MedGen C1969562, MONDO:0007974, OMIM 156200.

Allele frequency attached by ClinVar (database versions not stated): gnomAD exomes below 0.00001.
gnomAD v4.1: 2 of 1,613,864 alleles (0.00012%); highest among the groups gnomAD compares: Admixed American, 0.0033%; no homozygotes.

Submission:

Labcorp Genetics (formerly Invitae), Labcorp
Classification: Uncertain significance for Intellectual developmental disorder, autosomal dominant 1. Last evaluated: 2023-09-10. Review status: criteria provided, single submitter. Criteria: Invitae Variant Classification Sherloc (09022015). Collection method: clinical testing. Allele origin: germline.
Comment: This sequence change replaces serine, which is neutral and polar, with asparagine, which is neutral and polar, at codon 709 of the MBD5 protein (p.Ser709Asn). This variant is present in population databases (no rsID available, gnomAD 0.003%). This variant has not been reported in the literature in individuals affected with MBD5-related conditions. Advanced modeling of protein sequence and biophysical properties (such as structural, functional, and spatial information, amino acid conservation, physicochemical variation, residue mobility, and thermodynamic stability) performed at Invitae indicates that this missense variant is not expected to disrupt MBD5 protein function. In summary, the available evidence is currently insufficient to determine the role of this variant in disease. Therefore, it has been classified as a Variant of Uncertain Significance.